The following is an entry in ClinVar:

ClinVar aggregate classification (germline): Benign. Review status: criteria provided, multiple submitters, no conflicts (2 of 4 stars). 15 submissions from 14 submitters: Benign (11). 4 of the submissions do not count toward it. Last evaluated 2026-02-04.

Conditions:
Neuronopathy, distal hereditary motor, type 5B. Also called: HMN VB; DHMN VB; NEURONOPATHY, DISTAL HEREDITARY MOTOR, HARDING TYPE VB; NEUROPATHY, DISTAL HEREDITARY MOTOR, HARDING TYPE VB; SPINAL MUSCULAR ATROPHY, DISTAL, HARDING TYPE VB. Identifiers: Orphanet 139536, MedGen C3553656, MONDO:0013884, OMIM 614751.
Hereditary spastic paraplegia. Also called: Familial spastic paraparesis. Identifiers: Orphanet 685, MedGen C0037773, MONDO:0019064. Disease mechanism: loss of function.
Hereditary spastic paraplegia 31. Also called: SPASTIC PARAPLEGIA 31, AUTOSOMAL DOMINANT. Identifiers: Orphanet 101011, MedGen C1853247, MONDO:0012453, OMIM 610250.

Allele frequency attached by ClinVar (database versions not stated): ESP Exome Variant Server 0.37183; gnomAD 0.39011 and 0.39866; TOPMed 0.39545; 1000 Genomes Project 30x 0.42286; 1000 Genomes Project 0.42871; gnomAD exomes 0.44961 and 0.47493; ExAC 0.46734.
gnomAD v4.1: 715,642 of 1,610,440 alleles (44%); highest among the groups gnomAD compares: East Asian, 59%; 163,244 homozygotes.

Submissions (15):

Labcorp Genetics (formerly Invitae), Labcorp
Classification: Benign for Hereditary spastic paraplegia 31. Last evaluated: 2026-02-04. Review status: criteria provided, single submitter. Criteria: Invitae Variant Classification Sherloc (09022015). Collection method: clinical testing. Allele origin: germline.

ARUP Laboratories, Molecular Genetics and Genomics, ARUP Laboratories
Classification: Benign. Last evaluated: 2025-07-28. Review status: criteria provided, single submitter. Criteria: ARUP Molecular Germline Variant Investigation Process 2024. Collection method: clinical testing. Allele origin: germline.

Genome-Nilou Lab
Classification: Benign for Neuronopathy, distal hereditary motor, type 5B. Last evaluated: 2021-11-07. Review status: criteria provided, single submitter. Criteria: ACMG Guidelines, 2015. Collection method: clinical testing. Allele origin: germline. Affected: no.

Genome-Nilou Lab
Classification: Benign for Hereditary spastic paraplegia 31. Last evaluated: 2021-11-07. Review status: criteria provided, single submitter. Criteria: ACMG Guidelines, 2015. Collection method: clinical testing. Allele origin: germline. Affected: no.

Illumina Laboratory Services, Illumina
Classification: Benign for Hereditary spastic paraplegia 31. Last evaluated: 2018-01-13. Review status: criteria provided, single submitter. Criteria: ICSL Variant Classification Criteria 13 December 2019. Collection method: clinical testing. Allele origin: germline.
Comment: This variant was observed in the ICSL laboratory as part of a predisposition screen in an ostensibly healthy population. It had not been previously curated by ICSL or reported in the Human Gene Mutation Database (HGMD: prior to June 1st, 2018), and was therefore a candidate for classification through an automated scoring system. Utilizing variant allele frequency, disease prevalence and penetrance estimates, and inheritance mode, an automated score was calculated to assess if this variant is too frequent to cause the disease. Based on the score and internal cut-off values, a variant classified as benign is not then subjected to further curation. The score for this variant resulted in a classification of benign for this disease.

Athena Diagnostics
Classification: Benign for Hereditary spastic paraplegia 31. Last evaluated: 2017-04-15. Review status: criteria provided, single submitter. Criteria: Athena Diagnostics Criteria. Collection method: clinical testing. Allele origin: germline.

Genome Diagnostics Laboratory, The Hospital for Sick Children
Classification: Benign for Hereditary spastic paraplegia. Last evaluated: 2016-12-12. Review status: criteria provided, single submitter. Criteria: ACMG Guidelines, 2015. Collection method: clinical testing. Allele origin: germline. Affected: yes.

Mayo Clinic Laboratories, Mayo Clinic
Classification: Benign. Last evaluated: 2016-03-10. Review status: criteria provided, single submitter. Criteria: ACMG Guidelines, 2015. Collection method: clinical testing. Allele origin: germline. Observed: 1,206 variant alleles.

GeneDx
Classification: Benign. Last evaluated: 2013-10-16. Review status: criteria provided, single submitter. Criteria: GeneDx Variant Classification (06012015). Collection method: clinical testing. Allele origin: germline. Affected: yes.
Comment: This variant is considered likely benign or benign based on one or more of the following criteria: it is a conservative change, it occurs at a poorly conserved position in the protein, it is predicted to be benign by multiple in silico algorithms, and/or has population frequency not consistent with disease.

Breakthrough Genomics
Classification: Benign. Review status: criteria provided, single submitter. Criteria: ACMG Guidelines, 2015. Collection method: not provided. Allele origin: germline. Inheritance: Autosomal recessive inheritance. Affected: yes.

PreventionGenetics, part of Exact Sciences
Classification: Benign. Review status: criteria provided, single submitter. Criteria: ACMG Guidelines, 2015. Collection method: clinical testing. Allele origin: germline.

Clinical Genetics, Academic Medical Center
Classification: Benign. Review status: no assertion criteria provided. Collection method: clinical testing. Allele origin: germline. Affected: yes. Study: VKGL Data-share Consensus. Not counted in ClinVar's aggregate classification.

Diagnostic Laboratory, Department of Genetics, University Medical Center Groningen
Classification: Benign. Review status: no assertion criteria provided. Collection method: clinical testing. Allele origin: germline. Affected: yes. Study: VKGL Data-share Consensus. Not counted in ClinVar's aggregate classification.

Genetic Services Laboratory, University of Chicago
Classification: Likely benign for AllHighlyPenetrant. Review status: no assertion criteria provided. Collection method: clinical testing. Allele origin: germline. Inheritance: Autosomal dominant inheritance. Not counted in ClinVar's aggregate classification.
Comment: Likely benign based on allele frequency in 1000 Genomes Project or ESP global frequency and its presence in a patient with a rare or unrelated disease phenotype. NOT Sanger confirmed.

Joint Genome Diagnostic Labs from Nijmegen and Maastricht, Radboudumc and MUMC+
Classification: Benign. Review status: no assertion criteria provided. Collection method: clinical testing. Allele origin: germline. Affected: yes. Study: VKGL Data-share Consensus. Not counted in ClinVar's aggregate classification.

NM_001371279.1(REEP1):c.285G>A (p.Thr95=)

Gene: REEP1 (receptor accessory protein 1; minus strand). Cytogenetic location: 2p11.2.
Variant type: single nucleotide variant.
Coding change: c.285G>A on transcript NM_001371279.1 (MANE Select); coding-DNA position 285, G replaced by A.
Protein change: p.Thr95=; no amino-acid change (threonine 95 retained).
Molecular consequence: synonymous variant. On other transcripts: intron variant (1).
Genome position (GRCh38, 1-based): chr2:86,254,712, C>T on the plus strand (G>A on the coding strand, the complement: REEP1 is on the minus strand). VCF-style: chr2-86254712-C-T. GRCh37 (hg19) VCF-style: chr2-86481835-C-T.
Other names: p.T95T:ACG>ACA; p.Thr95=; c.306G>A, p.Thr102= (NM_001164730.2); c.204G>A, p.Thr68= (NM_001164731.2); c.285G>A, p.Thr95= (NM_001371280.1, NM_022912.3); c.182+9253G>A (NM_001164732.2).
Identifiers: ClinVar variation 130108 (VCV000130108.48), dbSNP rs2276625, ClinGen allele CA154897.